The following is an entry in ClinVar:

NM_000159.4(GCDH):c.80C>T (p.Ala27Val)

Genes: GCDH (glutaryl-CoA dehydrogenase; plus strand), LOC117125594 (CRISPRi-FlowFISH-validated KLF1 regulatory element; plus strand). Cytogenetic location: 19p13.13.
Variant type: single nucleotide variant.
Coding change: c.80C>T on transcript NM_000159.4 (MANE Select); coding-DNA position 80, C replaced by T.
Protein change: p.Ala27Val; replaces alanine 27 with valine.
Molecular consequence: missense variant. On other transcripts: non-coding transcript variant (2).
Genome position (GRCh38, 1-based): chr19:12,891,384, C>T. VCF-style: chr19-12891384-C-T. GRCh37 (hg19) VCF-style: chr19-13002198-C-T.
Other names: c.80C>T (NM_000159.2); c.80C>T, p.Ala27Val (NM_013976.5); short protein forms A27V.
Identifiers: ClinVar variation 2413367 (VCV002413367.3), dbSNP rs200520865, ClinGen allele CA404313347.

ClinVar aggregate classification (germline): Uncertain significance. Review status: criteria provided, multiple submitters, no conflicts (2 of 4 stars). 2 submissions from 2 submitters: Uncertain significance (2). Last evaluated 2024-04-09.

Conditions:
Inborn genetic diseases. Identifiers: MedGen C0950123, MeSH D030342.
Glutaric aciduria, type 1. Also called: GA I; Glutaryl-CoA dehydrogenase deficiency; Glutaricaciduria, type I; Glutaric Acidemia Type 1; Glutaric acidemia type I; Glutaricacidemia Type 1. Identifiers: Orphanet 25, MedGen C0268595, MONDO:0009281, OMIM 231670.

gnomAD v4.1: 4 of 1,614,046 alleles (0.00025%); highest among the groups gnomAD compares: South Asian, 0.0044%; no homozygotes.

Submissions (2):

Ambry Genetics
Classification: Uncertain significance for Inborn genetic diseases. Last evaluated: 2024-04-09. Review status: criteria provided, single submitter. Criteria: Ambry Variant Classification Scheme 2023. Collection method: clinical testing. Allele origin: germline.

Labcorp Genetics (formerly Invitae), Labcorp
Classification: Uncertain significance for Glutaric aciduria, type 1. Last evaluated: 2022-07-31. Review status: criteria provided, single submitter. Criteria: Invitae Variant Classification Sherloc (09022015). Collection method: clinical testing. Allele origin: germline.
Comment: This sequence change replaces alanine, which is neutral and non-polar, with valine, which is neutral and non-polar, at codon 27 of the GCDH protein (p.Ala27Val). This variant is not present in population databases (gnomAD no frequency). This variant has not been reported in the literature in individuals affected with GCDH-related conditions. Advanced modeling of protein sequence and biophysical properties (such as structural, functional, and spatial information, amino acid conservation, physicochemical variation, residue mobility, and thermodynamic stability) performed at Invitae indicates that this missense variant is not expected to disrupt GCDH protein function. In summary, the available evidence is currently insufficient to determine the role of this variant in disease. Therefore, it has been classified as a Variant of Uncertain Significance.